The following is an entry in ClinVar:

ClinVar aggregate classification (germline): Uncertain significance. Review status: criteria provided, multiple submitters, no conflicts (2 of 4 stars). 2 submissions from 2 submitters: Uncertain significance (2). Last evaluated 2025-06-22.

Allele frequency attached by ClinVar (database versions not stated): gnomAD 0.00002; TOPMed 0.00002; ExAC 0.00002.
gnomAD v4.1: 19 of 1,612,180 alleles (0.0012%); highest among the groups gnomAD compares: East Asian, 0.0067%; no homozygotes.

Submissions (2):

Labcorp Genetics (formerly Invitae), Labcorp
Classification: Uncertain significance. Last evaluated: 2025-06-22. Review status: criteria provided, single submitter. Criteria: Invitae Variant Classification Sherloc (09022015). Collection method: clinical testing. Allele origin: germline.
Comment: This sequence change replaces arginine, which is basic and polar, with glutamine, which is neutral and polar, at codon 1263 of the MYH7B protein (p.Arg1263Gln). This variant is present in population databases (rs752237354, gnomAD 0.005%). This variant has not been reported in the literature in individuals affected with MYH7B-related conditions. ClinVar contains an entry for this variant (Variation ID: 3158536). Invitae Evidence Modeling of protein sequence and biophysical properties (such as structural, functional, and spatial information, amino acid conservation, physicochemical variation, residue mobility, and thermodynamic stability) indicates that this missense variant is expected to disrupt MYH7B protein function with a positive predictive value of 80%. In summary, the available evidence is currently insufficient to determine the role of this variant in disease. Therefore, it has been classified as a Variant of Uncertain Significance.

Ambry Genetics
Classification: Uncertain significance. Last evaluated: 2023-09-26. Review status: criteria provided, single submitter. Criteria: Ambry Variant Classification Scheme 2023. Collection method: clinical testing. Allele origin: germline.

NM_020884.7(MYH7B):c.3662G>A (p.Arg1221Gln)

Gene: MYH7B (myosin heavy chain 7B; plus strand). Cytogenetic location: 20q11.22.
Variant type: single nucleotide variant.
Coding change: c.3662G>A on transcript NM_020884.7 (MANE Select); coding-DNA position 3662, G replaced by A.
Protein change: p.Arg1221Gln; replaces arginine 1221 with glutamine.
Molecular consequence: missense variant.
Genome position (GRCh38, 1-based): chr20:34,997,555, G>A. VCF-style: chr20-34997555-G-A. GRCh37 (hg19) VCF-style: chr20-33585358-G-A.
Other names: short protein forms R1221Q.
Identifiers: ClinVar variation 3158536 (VCV003158536.3), dbSNP rs752237354, ClinGen allele CA9827800.